The following is an entry in ClinVar:

NM_005263.5(GFI1):c.1120G>A (p.Gly374Ser)

Genes: GFI1 (growth factor independent 1 transcriptional repressor; minus strand), LOC129930930 (ATAC-STARR-seq lymphoblastoid active region 1314; plus strand). Cytogenetic location: 1p22.1.
Variant type: single nucleotide variant.
Coding change: c.1120G>A on transcript NM_005263.5 (MANE Select); coding-DNA position 1120, G replaced by A.
Protein change: p.Gly374Ser; replaces glycine 374 with serine.
Molecular consequence: missense variant.
Genome position (GRCh38, 1-based): chr1:92,476,178, C>T on the plus strand (G>A on the coding strand, the complement: GFI1 is on the minus strand). VCF-style: chr1-92476178-C-T. GRCh37 (hg19) VCF-style: chr1-92941735-C-T.
Other names: c.1120G>A, p.Gly374Ser (NM_001127215.3, NM_001127216.3); short protein forms G374S.
Identifiers: ClinVar variation 954544 (VCV000954544.17), dbSNP rs367740686, ClinGen allele CA951234.

ClinVar aggregate classification (germline): Uncertain significance. Review status: criteria provided, multiple submitters, no conflicts (2 of 4 stars). 4 submissions from 4 submitters: Uncertain significance (4). Last evaluated 2025-12-06.

Conditions:
Neutropenia, severe congenital, 2, autosomal dominant. Identifiers: Orphanet 486, MedGen C2751288, MONDO:0013139, OMIM 613107.

Allele frequency attached by ClinVar (database versions not stated): gnomAD 0.00001; TOPMed 0.00001; gnomAD exomes 0.00002; ExAC 0.00004; ESP Exome Variant Server 0.00008.
gnomAD v4.1: 38 of 1,613,482 alleles (0.0024%); highest among the groups gnomAD compares: Admixed American, 0.0033%; no homozygotes.

Submissions (4):

Labcorp Genetics (formerly Invitae), Labcorp
Classification: Uncertain significance for Neutropenia, severe congenital, 2, autosomal dominant. Last evaluated: 2025-12-06. Review status: criteria provided, single submitter. Criteria: Invitae Variant Classification Sherloc (09022015). Collection method: clinical testing. Allele origin: germline.
Comment: This sequence change replaces glycine, which is neutral and non-polar, with serine, which is neutral and polar, at codon 374 of the GFI1 protein (p.Gly374Ser). This variant is present in population databases (rs367740686, gnomAD 0.01%). This variant has not been reported in the literature in individuals affected with GFI1-related conditions. ClinVar contains an entry for this variant (Variation ID: 954544). Invitae Evidence Modeling of protein sequence and biophysical properties (such as structural, functional, and spatial information, amino acid conservation, physicochemical variation, residue mobility, and thermodynamic stability) indicates that this missense variant is not expected to disrupt GFI1 protein function with a negative predictive value of 80%. In summary, the available evidence is currently insufficient to determine the role of this variant in disease. Therefore, it has been classified as a Variant of Uncertain Significance.

Ambry Genetics
Classification: Uncertain significance. Last evaluated: 2025-11-19. Review status: criteria provided, single submitter. Criteria: Ambry Variant Classification Scheme 2023. Collection method: clinical testing. Allele origin: germline.

Blueprint Genetics
Classification: Uncertain significance. Last evaluated: 2024-09-24. Review status: criteria provided, single submitter. Criteria: ACMG Guidelines, 2015. Collection method: clinical testing. Allele origin: germline.

Genetic Services Laboratory, University of Chicago
Classification: Uncertain significance. Last evaluated: 2019-04-26. Review status: criteria provided, single submitter. Criteria: ACMG Guidelines, 2015. Collection method: clinical testing. Allele origin: germline. Affected: no.